The following is an entry in ClinVar:

NM_000157.4(GBA1):c.1225-3T>C

Genes: GBA1 (glucosylceramidase beta 1; minus strand), LOC106627981 (GBA recombination region; plus strand). Cytogenetic location: 1q22.
Variant type: single nucleotide variant.
Coding change: c.1225-3T>C on transcript NM_000157.4 (MANE Select); 3 bases into the intron before coding-DNA position 1225, T replaced by C.
Molecular consequence: intron variant.
Genome position (GRCh38, 1-based): chr1:155,235,847, A>G on the plus strand (T>C on the coding strand, the complement: GBA1 is on the minus strand). VCF-style: chr1-155235847-A-G. GRCh37 (hg19) VCF-style: chr1-155205638-A-G.
Other names: c.964-3T>C (NM_001171811.2); c.1225-3T>C (NM_001005742.3, NM_001005741.3, NM_001005741.2); c.1078-3T>C (NM_001171812.2).
Identifiers: ClinVar variation 1678338 (VCV001678338.13), dbSNP rs377143075, ClinGen allele CA1141574.
Genomic context (GRCh38, chr1:155,235,847, plus strand): 5'-CTTCGGGGTTCAGGGCAAGGTTCCAGTCGGTCCAGCCGACCACATGGTACAGGAGGTTCT[A>G]GGGTAAGGACAAAGGCAAAGAGACAAAGGCGCAACACTGGGGGTCCCCAGAGAGTGTAGG-3'

ClinVar aggregate classification (germline): Conflicting classifications of pathogenicity. Review status: criteria provided, conflicting classifications (1 of 4 stars). 4 submissions from 4 submitters: Uncertain significance (2); Likely benign (2). Last evaluated 2025-06-01.

Allele frequency attached by ClinVar (database versions not stated): ExAC 0.00002; gnomAD exomes 0.00004; ESP Exome Variant Server 0.00008; gnomAD 0.00009; TOPMed 0.00009.
gnomAD v4.1: 223 of 1,614,120 alleles (0.014%); highest among the groups gnomAD compares: Non-Finnish European, 0.017%; no homozygotes.

Submissions (4):

CeGaT Center for Human Genetics Tuebingen
Classification: Likely benign. Last evaluated: 2025-06-01. Review status: criteria provided, single submitter. Criteria: CeGaT Center For Human Genetics Tuebingen Variant Classification Criteria Version 2. Collection method: clinical testing. Allele origin: germline. Affected: yes. Observed: 1 variant allele.
Comment: GBA1: BP4

Blueprint Genetics
Classification: Likely benign. Last evaluated: 2024-07-24. Review status: criteria provided, single submitter. Criteria: ACMG Guidelines, 2015. Collection method: clinical testing. Allele origin: germline.

Revvity Omics, Revvity
Classification: Uncertain significance. Last evaluated: 2021-01-26. Review status: criteria provided, single submitter. Criteria: ACMG Guidelines, 2015. Collection method: clinical testing. Allele origin: germline.

AiLife Diagnostics
Classification: Uncertain significance. Last evaluated: 2020-11-25. Review status: criteria provided, single submitter. Criteria: ACMG Guidelines, 2015. Collection method: clinical testing. Allele origin: germline. Affected: yes. Observed: 1 variant allele.

Literature cited by the submitters: PubMed 31996268 (cited by AiLife Diagnostics).